The following is an entry in ClinVar:

NM_130839.5(UBE3A):c.2535_2551del (p.Leu846fs)

Genes: SNHG14 (small nucleolar RNA host gene 14; plus strand), UBE3A (ubiquitin protein ligase E3A; minus strand). Cytogenetic location: 15q11.2.
Variant type: Deletion.
Coding change: c.2535_2551del on transcript NM_130839.5 (MANE Select); coding-DNA positions 2535 to 2551, 17 bases deleted (ACTTCCGGAATACTCAA).
Protein change: p.Leu846fs; shifts the reading frame from leucine 846.
Molecular consequence: frameshift variant. On other transcripts: non-coding transcript variant (1).
Genome position (GRCh38, 1-based): chr15:25,339,205-25,339,221, TTGAGTATTCCGGAAGT deleted on the plus strand (ACTTCCGGAATACTCAA on the coding strand, the reverse complement: UBE3A is on the minus strand). VCF-style (leftmost placement, unchanged base first): chr15-25339204-CTTGAGTATTCCGGAAGT-C. GRCh37 (hg19) VCF-style: chr15-25584351-CTTGAGTATTCCGGAAGT-C.
Other names: c.2475_2491delACTTCCGGAATACTCAA (NM_130838.1); c.2310_2326del, p.Leu771fs (NM_001354549.2); c.1284_1300del, p.Leu429fs (NM_001354550.2); c.1224_1240del, p.Leu409fs (NM_001354551.2); c.2475_2491del, p.Leu826fs (NM_001374461.1, NM_130838.4, NM_001354506.2 and 14 more transcripts); c.2544_2560del, p.Leu849fs (NM_000462.5); c.2535_2551del, p.Leu846fs (NM_001354505.1, NM_001354538.2); c.2379_2395del, p.Leu794fs (NM_001354545.2); and 2 more; short protein forms L409fs, L771fs, L774fs, L429fs, L849fs, L826fs, L787fs, L794fs.
Identifiers: ClinVar variation 408432 (VCV000408432.8), dbSNP rs1064792950, ClinGen allele CA16614580.
Genomic context (GRCh38, chr15:25,339,204, plus strand): 5'-ATGCCAAATCCTTTGGCATACGTGATGGCCTTCAACAATCTCTCTTTAAGTTTTTCTTTG[CTTGAGTATTCCGGAAGT>C]AAAAGCACATTAAAGCAAGTATGAGATGTAGGTAACCTAAATAGAGAAAAGGGGAAAAAA-3'

ClinVar aggregate classification (germline): Pathogenic (1 of 4 stars; one submission).

Conditions:
Angelman syndrome (AS). Also called: HAPPY PUPPET SYNDROME. Identifiers: Orphanet 72, MedGen C0162635, MONDO:0007113, OMIM 105830. Disease mechanism: loss of function. Inheritance: imprinting disorder, AS is caused by disruption of maternally imprinted UBE3A located within the 15q11.2-q13 Angelman syndrome/Prader-Willi syndrome (AS/PWS) region..

Submission:

Labcorp Genetics (formerly Invitae), Labcorp
Classification: Pathogenic for Angelman syndrome. Last evaluated: 2016-06-17. Review status: criteria provided, single submitter. Criteria: Invitae Variant Classification Sherloc (09022015). Collection method: clinical testing. Allele origin: germline.
Comment: For these reasons, this variant has been classified as Pathogenic. While this particular variant has not been reported in the literature, maternally-inherited truncating variants in UBE3A are known to be pathogenic (PMID: 25212744). In addition, several frameshift variants that occur downstream of this variant have been reported in affected individuals (PMID: 25212744). This sequence change deletes 17 nucleotides in exon 10 of the UBE3A mRNA (c.2475_2491delACTTCCGGAATACTCAA), causing a frameshift at codon 826. This creates a premature translational stop signal in the last exon of the UBE3A mRNA (p.Leu826Glnfs*5). While this is not anticipated to result in nonsense mediated decay, it is expected to result in a truncated UBE3A protein.

Literature cited by the submitters: PubMed 25212744.